The following is an entry in ClinVar:

NM_001267550.2(TTN):c.38000C>T (p.Ser12667Leu)

Gene: TTN (titin; minus strand). Cytogenetic location: 2q31.2.
Variant type: single nucleotide variant.
Coding change: c.38000C>T on transcript NM_001267550.2 (MANE Select); coding-DNA position 38000, C replaced by T.
Protein change: p.Ser12667Leu; replaces serine 12667 with leucine.
Molecular consequence: missense variant. On other transcripts: intron variant (5).
Genome position (GRCh38, 1-based): chr2:178,657,536, G>A on the plus strand (C>T on the coding strand, the complement: TTN is on the minus strand). VCF-style: chr2-178657536-G-A. GRCh37 (hg19) VCF-style: chr2-179522263-G-A.
Other names: c.13283-15219C>T (NM_003319.4); c.13859-15219C>T (NM_133437.4); c.13658-15219C>T (NM_133432.3); c.31741+1469C>T (NM_133378.4); c.34522+1469C>T (NM_001256850.1); short protein forms S12667L.
Identifiers: ClinVar variation 4958459 (VCV004958459.2).

ClinVar aggregate classification (germline): Conflicting classifications of pathogenicity. Review status: criteria provided, conflicting classifications (1 of 4 stars). 2 submissions from 2 submitters: Uncertain significance (1); Likely benign (1). Last evaluated 2026-07-16.

Conditions:
TTN-related disorder. Also called: TTN-related disorders; TTN-related condition; TTN-related disease.

Submissions (2):

PreventionGenetics, part of Exact Sciences
Classification: Uncertain significance for TTN-related condition. Last evaluated: 2026-07-16. Review status: criteria provided, single submitter. Criteria: ACMG Guidelines, 2015. Collection method: clinical testing. Allele origin: germline.
Comment: The TTN c.38000C>T variant is predicted to result in the amino acid substitution p.Ser12667Leu. To our knowledge, this variant has not been reported in the literature. This variant is reported in 0.026% of alleles in individuals of African descent in gnomAD. At this time, the clinical significance of this variant is uncertain due to the absence of conclusive functional and genetic evidence.

Blueprint Genetics
Classification: Likely benign. Last evaluated: 2024-03-06. Review status: criteria provided, single submitter. Criteria: ACMG Guidelines, 2015. Collection method: clinical testing. Allele origin: germline.